The following is an entry in ClinVar:

ClinVar aggregate classification (germline): Pathogenic (1 of 4 stars; one submission).

Conditions:
Gorlin syndrome. Also called: Basal cell nevus syndrome; Nevoid Basal Cell Carcinoma Syndrome. Identifiers: Orphanet 377, MedGen C0004779, MONDO:0007187.

Submission:

Labcorp Genetics (formerly Invitae), Labcorp
Classification: Pathogenic for Gorlin syndrome. Last evaluated: 2021-05-07. Review status: criteria provided, single submitter. Criteria: Invitae Variant Classification Sherloc (09022015). Collection method: clinical testing. Allele origin: germline.
Comment: For these reasons, this variant has been classified as Pathogenic. This variant has not been reported in the literature in individuals with PTCH1-related conditions. This variant is not present in population databases (ExAC no frequency). This sequence change creates a premature translational stop signal (p.Asn1112Thrfs*27) in the PTCH1 gene. It is expected to result in an absent or disrupted protein product. Loss-of-function variants in PTCH1 are known to be pathogenic (PMID: 16301862, 16419085).

Literature cited by the submitters: PubMed 16301862; PubMed 16419085.

NM_000264.5(PTCH1):c.3333del (p.Asn1112fs)

Gene: PTCH1 (patched 1; minus strand). Cytogenetic location: 9q22.32.
Variant type: Deletion.
Coding change: c.3333del on transcript NM_000264.5 (MANE Select); coding-DNA position 3333, one base deleted (G; older notation c.3333delG).
Protein change: p.Asn1112fs; shifts the reading frame from asparagine 1112.
Molecular consequence: frameshift variant. On other transcripts: non-coding transcript variant (1).
Genome position (GRCh38, 1-based): chr9:95,453,594, C deleted on the plus strand (G on the coding strand, the reverse complement: PTCH1 is on the minus strand). VCF-style (leftmost placement, unchanged base first): chr9-95453593-TC-T. GRCh37 (hg19) VCF-style: chr9-98215875-TC-T.
Other names: c.3135del, p.Asn1046fs (NM_001083602.3); c.3330del, p.Asn1111fs (NM_001083603.3); c.2880del, p.Asn961fs (NM_001083604.3, NM_001083605.3, NM_001083606.3 and 1 more transcripts); c.3177del, p.Asn1060fs (NM_001354918.2); short protein forms N1111fs, N1112fs, N1060fs, N961fs, N1046fs.
Identifiers: ClinVar variation 1452096 (VCV001452096.6), dbSNP rs2136632164, ClinGen allele CA2573144877.
Genomic context (GRCh38, chr9:95,453,593, plus strand): 5'-ACACGGCGCCATCCAGGACGGGTGCAAACATGTGCTCCAGGGCAAGCACAGCCCTGCGGT[TC>T]TTGTCGCCGATGGCCGTCAGAAAGGCCTGTGCAATGAGGATGTTCACAAGATCAGGTTGC-3'